The following is an entry in ClinVar:

ClinVar aggregate classification (germline): Benign/Likely benign. Review status: criteria provided, multiple submitters, no conflicts (2 of 4 stars). 3 submissions from 3 submitters: Benign (1); Likely benign (2). Last evaluated 2024-08-22.

Conditions:
Familial cancer of breast. Also called: BREAST CANCER, FAMILIAL; Hereditary breast cancer; hereditary breast carcinoma. Identifiers: Orphanet 227535, MedGen C0346153, MONDO:0016419, OMIM 114480. Disease mechanism: loss of function.
Hereditary cancer-predisposing syndrome. Also called: Tumor predisposition; Hereditary neoplastic syndrome; Neoplastic Syndromes, Hereditary; Hereditary Cancer Syndrome. Identifiers: Orphanet 140162, MedGen C0027672, MeSH D009386, MONDO:0015356.
Fanconi anemia complementation group J. Also called: BRIP1-Related Fanconi Anemia. Identifiers: Orphanet 84, MedGen C1836860, MONDO:0012187, OMIM 609054.

Submissions (3):

Myriad Genetics, Inc.
Classification: Benign for Familial cancer of breast. Last evaluated: 2024-08-22. Review status: criteria provided, single submitter. Criteria: Myriad Autosomal Dominant, Autosomal Recessive and X-Linked Classification Criteria (2023). Collection method: clinical testing. Allele origin: unknown.
Comment: This variant is considered benign. This variant is a silent/synonymous amino acid change and it is not expected to impact splicing.

Labcorp Genetics (formerly Invitae), Labcorp
Classification: Likely benign for Familial cancer of breast; Fanconi anemia complementation group J. Last evaluated: 2023-07-07. Review status: criteria provided, single submitter. Criteria: Invitae Variant Classification Sherloc (09022015). Collection method: clinical testing. Allele origin: germline.

Ambry Genetics
Classification: Likely benign for Hereditary cancer-predisposing syndrome. Last evaluated: 2019-10-05. Review status: criteria provided, single submitter. Criteria: Ambry Variant Classification Scheme 2023. Collection method: clinical testing. Allele origin: germline.

NM_032043.3(BRIP1):c.912G>C (p.Gly304=)

Gene: BRIP1 (BRCA1 interacting DNA helicase 1; minus strand). Cytogenetic location: 17q23.2.
Variant type: single nucleotide variant.
Coding change: c.912G>C on transcript NM_032043.3 (MANE Select); coding-DNA position 912, G replaced by C.
Protein change: p.Gly304=; no amino-acid change (glycine 304 retained).
Molecular consequence: synonymous variant.
Genome position (GRCh38, 1-based): chr17:61,808,473, C>G on the plus strand (G>C on the coding strand, the complement: BRIP1 is on the minus strand). VCF-style: chr17-61808473-C-G. GRCh37 (hg19) VCF-style: chr17-59885834-C-G.
Identifiers: ClinVar variation 706907 (VCV000706907.15), dbSNP rs786201326, ClinGen allele CA501152005.